The following is an entry in ClinVar:

NM_001211.6(BUB1B):c.591A>G (p.Gln197=)

Gene: BUB1B (BUB1 mitotic checkpoint serine/threonine kinase B; plus strand). Cytogenetic location: 15q15.1.
Variant type: single nucleotide variant.
Coding change: c.591A>G on transcript NM_001211.6 (MANE Select); coding-DNA position 591, A replaced by G.
Protein change: p.Gln197=; no amino-acid change (glutamine 197 retained).
Molecular consequence: synonymous variant.
Genome position (GRCh38, 1-based): chr15:40,183,723, A>G. VCF-style: chr15-40183723-A-G. GRCh37 (hg19) VCF-style: chr15-40475924-A-G.
Other names: c.591A>G (NM_001211.5).
Identifiers: ClinVar variation 1557032 (VCV001557032.16), dbSNP rs2140889748, ClinGen allele CA489706647.
Genomic context (GRCh38, chr15:40,183,723, plus strand): 5'-CTGGTAAAATAGTGGTCACCTCACTAAAAGTTGTGCATTCTGCTACTTTAGACAATTCCA[A>G]GCTCGAGTGTCTCGGCAAACTCTGTTGGCACTTGAGAAAGAAGAAGAGGAGGAAGTTTTT-3'
Protein context (NP_001202.5, residues 187-207): ERLQSQHRQF[Gln197=]ARVSRQTLLA

ClinVar aggregate classification (germline): Likely benign. Review status: criteria provided, multiple submitters, no conflicts (2 of 4 stars). 3 submissions from 3 submitters: Likely benign (3). Last evaluated 2025-04-24.

Conditions:
Inborn genetic diseases. Identifiers: MedGen C0950123, MeSH D030342.
Mosaic variegated aneuploidy syndrome 1 (MVA1). Also called: Warburton-Anyane-Yeboa syndrome. Identifiers: Orphanet 1052, MedGen C1850343, MONDO:0009759, OMIM 257300.

Submissions (3):

Ambry Genetics
Classification: Likely benign for Inborn genetic diseases. Last evaluated: 2025-04-24. Review status: criteria provided, single submitter. Criteria: Ambry Variant Classification Scheme 2023. Collection method: clinical testing. Allele origin: germline.

CeGaT Center for Human Genetics Tuebingen
Classification: Likely benign. Last evaluated: 2025-04-01. Review status: criteria provided, single submitter. Criteria: CeGaT Center For Human Genetics Tuebingen Variant Classification Criteria Version 2. Collection method: clinical testing. Allele origin: germline. Affected: yes. Observed: 1 variant allele.
Comment: BUB1B: PM2:Supporting, BP4, BP7

Labcorp Genetics (formerly Invitae), Labcorp
Classification: Likely benign for Mosaic variegated aneuploidy syndrome 1. Last evaluated: 2022-08-16. Review status: criteria provided, single submitter. Criteria: Invitae Variant Classification Sherloc (09022015). Collection method: clinical testing. Allele origin: germline.